The following is an entry in ClinVar:

ClinVar aggregate classification (germline): Benign/Likely benign. Review status: criteria provided, multiple submitters, no conflicts (2 of 4 stars). 6 submissions from 6 submitters: Benign (3); Likely benign (1). 2 of the submissions do not count toward it. Last evaluated 2026-09-01.

Allele frequency attached by ClinVar (database versions not stated): 1000 Genomes Project 30x 0.00375; 1000 Genomes Project 0.00379; gnomAD 0.00526 and 0.00528; gnomAD exomes 0.00547; TOPMed 0.00558; ESP Exome Variant Server 0.00571; ExAC 0.01002.
gnomAD v4.1: 10,199 of 1,592,756 alleles (0.64%); highest among the groups gnomAD compares: Middle Eastern, 1.1%; 60 homozygotes.

Submissions (6):

CeGaT Center for Human Genetics Tuebingen
Classification: Likely benign. Last evaluated: 2026-09-01. Review status: criteria provided, single submitter. Criteria: CeGaT Center For Human Genetics Tuebingen Variant Classification Criteria Version 2. Collection method: clinical testing. Allele origin: germline. Affected: yes. Observed: 33 variant alleles.
Comment: DCHS1: BP4, BS2

Labcorp Genetics (formerly Invitae), Labcorp
Classification: Benign. Last evaluated: 2026-02-01. Review status: criteria provided, single submitter. Criteria: Invitae Variant Classification Sherloc (09022015). Collection method: clinical testing. Allele origin: germline.

GeneDx
Classification: Benign. Last evaluated: 2019-09-23. Review status: criteria provided, single submitter. Criteria: GeneDx Variant Classification Process June 2021. Collection method: clinical testing. Allele origin: germline. Affected: yes.
Comment: This variant is associated with the following publications: (PMID: 29224215)

Breakthrough Genomics
Classification: Benign. Review status: criteria provided, single submitter. Criteria: ACMG Guidelines, 2015. Collection method: not provided. Allele origin: germline. Inheritance: Autosomal recessive inheritance. Affected: yes.

Clinical Genetics, Academic Medical Center
Classification: Benign. Review status: no assertion criteria provided. Collection method: clinical testing. Allele origin: germline. Affected: yes. Study: VKGL Data-share Consensus. Not counted in ClinVar's aggregate classification.

Laboratory of Diagnostic Genome Analysis, Leiden University Medical Center (LUMC)
Classification: Likely benign. Review status: no assertion criteria provided. Collection method: clinical testing. Allele origin: germline. Affected: yes. Study: VKGL Data-share Consensus. Not counted in ClinVar's aggregate classification.

NM_003737.4(DCHS1):c.8599G>A (p.Ala2867Thr)

Gene: DCHS1 (dachsous cadherin-related 1; minus strand). Cytogenetic location: 11p15.4.
Variant type: single nucleotide variant.
Coding change: c.8599G>A on transcript NM_003737.4 (MANE Select); coding-DNA position 8599, G replaced by A.
Protein change: p.Ala2867Thr; replaces alanine 2867 with threonine.
Molecular consequence: missense variant.
Genome position (GRCh38, 1-based): chr11:6,623,077, C>T on the plus strand (G>A on the coding strand, the complement: DCHS1 is on the minus strand). VCF-style: chr11-6623077-C-T. GRCh37 (hg19) VCF-style: chr11-6644308-C-T.
Other names: short protein forms A2867T.
Identifiers: ClinVar variation 1206210 (VCV001206210.42), dbSNP rs146233988, ClinGen allele CA5859396.